The following is an entry in ClinVar:

NM_004700.4(KCNQ4):c.419T>C (p.Ile140Thr)

Gene: KCNQ4 (potassium voltage-gated channel subfamily Q member 4; plus strand). Cytogenetic location: 1p34.2.
Variant type: single nucleotide variant.
Coding change: c.419T>C on transcript NM_004700.4 (MANE Select); coding-DNA position 419, T replaced by C.
Protein change: p.Ile140Thr; replaces isoleucine 140 with threonine.
Molecular consequence: missense variant.
Genome position (GRCh38, 1-based): chr1:40,818,177, T>C. VCF-style: chr1-40818177-T-C. GRCh37 (hg19) VCF-style: chr1-41283849-T-C.
Other names: c.419T>C, p.Ile140Thr (NM_172163.3); short protein forms I140T.
Identifiers: ClinVar variation 1049775 (VCV001049775.26), dbSNP rs200053059, ClinGen allele CA794537.
Genomic context (GRCh38, chr1:40,818,177, plus strand): 5'-CCAGTTCTGGAGACTGAGGACCAGAACTCAGGCCCCTGGTCCCACAGGAATTCGTGATGA[T>C]CGTGGTTTTCGGCTTGGAGTACATCGTCCGGGTCTGGTCCGCCGGATGCTGCTGCCGCTA-3'
Protein context (NP_004691.2, residues 130-150): ECLLILEFVM[Ile140Thr]VVFGLEYIVR

ClinVar aggregate classification (germline): Conflicting classifications of pathogenicity. Review status: criteria provided, conflicting classifications (1 of 4 stars). 7 submissions from 7 submitters: Uncertain significance (5); Likely benign (1). 1 of the submissions does not count toward it. Last evaluated 2026-02-05.

Conditions:
Hearing impairment. Also called: Impaired Hearing. Identifiers: MedGen C1384666, MONDO:0005365, HP:0000365.
Inborn genetic diseases. Identifiers: MedGen C0950123, MeSH D030342.
Autosomal dominant nonsyndromic hearing loss 2A. Also called: DFNA2 Nonsyndromic Hearing Loss; Deafness, autosomal dominant 2A; Autosomal dominant nonsyndromic deafness 2A. Identifiers: Orphanet 90635, MedGen C2677637, MONDO:0010817, OMIM 600101.

Allele frequency attached by ClinVar (database versions not stated): TOPMed 0.00006; ExAC 0.00007; gnomAD 0.00007 and 0.00009; gnomAD exomes 0.00008.
gnomAD v4.1: 128 of 1,613,944 alleles (0.0079%); highest among the groups gnomAD compares: Middle Eastern, 0.016%; 1 homozygote.

Submissions (7):

GeneDx
Classification: Uncertain significance. Last evaluated: 2026-02-05. Review status: criteria provided, single submitter. Criteria: GeneDx Variant Classification Process June 2021. Collection method: clinical testing. Allele origin: germline.
Comment: Identified in a patient with hearing loss and classified as a variant of uncertain significance in published literature (PMID: 40178561); In silico analysis supports that this missense variant has a deleterious effect on protein structure/function; This variant is associated with the following publications: (PMID: 34753855, 40178561)

CeGaT Center for Human Genetics Tuebingen
Classification: Likely benign. Last evaluated: 2026-02-01. Review status: criteria provided, single submitter. Criteria: CeGaT Center For Human Genetics Tuebingen Variant Classification Criteria Version 2. Collection method: clinical testing. Allele origin: germline. Affected: yes. Observed: 2 variant alleles.
Comment: KCNQ4: BP5, BS1

Labcorp Genetics (formerly Invitae), Labcorp
Classification: Uncertain significance. Last evaluated: 2025-11-29. Review status: criteria provided, single submitter. Criteria: Invitae Variant Classification Sherloc (09022015). Collection method: clinical testing. Allele origin: germline.
Comment: This sequence change replaces isoleucine, which is neutral and non-polar, with threonine, which is neutral and polar, at codon 140 of the KCNQ4 protein (p.Ile140Thr). This variant is present in population databases (rs200053059, gnomAD 0.01%). This missense change has been observed in individual(s) with deafness (PMID: 40178561). ClinVar contains an entry for this variant (Variation ID: 1049775). Invitae Evidence Modeling of protein sequence and biophysical properties (such as structural, functional, and spatial information, amino acid conservation, physicochemical variation, residue mobility, and thermodynamic stability) has been performed for this missense variant. However, the output from this modeling did not meet the statistical confidence thresholds required to predict the impact of this variant on KCNQ4 protein function. In summary, the available evidence is currently insufficient to determine the role of this variant in disease. Therefore, it has been classified as a Variant of Uncertain Significance.

Ambry Genetics
Classification: Uncertain significance for Inborn genetic diseases. Last evaluated: 2024-01-02. Review status: criteria provided, single submitter. Criteria: Ambry Variant Classification Scheme 2023. Collection method: clinical testing. Allele origin: germline.

Genome-Nilou Lab
Classification: Uncertain significance for Autosomal dominant nonsyndromic hearing loss 2A. Last evaluated: 2023-04-11. Review status: criteria provided, single submitter. Criteria: ACMG Guidelines, 2015. Collection method: clinical testing. Allele origin: germline. Affected: no.

Department of Otolaryngology – Head & Neck Surgery, Cochlear Implant Center
Classification: Uncertain significance for Hearing impairment. Last evaluated: 2021-04-12. Review status: criteria provided, single submitter. Criteria: ClinGen HL ACMG Specifications v1. Collection method: clinical testing. Allele origin: germline. Affected: yes.
Comment: PP3_Supporting, BP2_Strong

Department of Pathology and Laboratory Medicine, Sinai Health System
Classification: Uncertain significance. Review status: no assertion criteria provided. Collection method: clinical testing. Allele origin: unknown. Affected: yes. Study: The Canadian Open Genetics Repository (COGR). Not counted in ClinVar's aggregate classification.
Comment: The KCNQ4 p.Ile140Thr variant was not identified in the literature nor was it identified in ClinVar or LOVD 3.0. The variant was identified in dbSNP (ID: rs200053059) and in control databases in 24 of 282702 chromosomes at a frequency of 0.0000849 (Genome Aggregation Database March 6, 2019, v2.1.1). The variant was observed in the following populations: European (non-Finnish) in 21 of 129080 chromosomes (freq: 0.000163), Other in 1 of 7212 chromosomes (freq: 0.000139) and Latino in 2 of 35438 chromosomes (freq: 0.000056), but was not observed in the African, Ashkenazi Jewish, East Asian, European (Finnish), or South Asian populations. The p.Ile140 residue is conserved in mammals but not in more distantly related organisms, and four out of five computational analyses (PolyPhen-2, SIFT, AlignGVGD, BLOSUM, MutationTaster) suggest that the variant may impact the protein; however, this information is not predictive enough to assume pathogenicity. The variant occurs outside of the splicing consensus sequence and in silico or computational prediction software programs (SpliceSiteFinder, MaxEntScan, NNSPLICE, GeneSplicer) do not predict a difference in splicing. In summary, based on the above information the clinical significance of this variant cannot be determined with certainty at this time. This variant is classified as a variant of uncertain significance.

Literature cited by the submitters: PubMed 40178561 (cited by Labcorp Genetics (formerly Invitae), Labcorp).